The following is an entry in ClinVar:

ClinVar aggregate classification (germline): Likely benign (1 of 4 stars; one submission).

Conditions:
HACE1-related disorder. Also called: HACE1-related condition.

gnomAD v4.1: 10 of 1,602,946 alleles (0.00062%); highest among the groups gnomAD compares: Non-Finnish European, 0.00085%; no homozygotes.

Submission:

PreventionGenetics, part of Exact Sciences
Classification: Likely benign for HACE1-related condition. Last evaluated: 2025-07-10. Review status: criteria provided, single submitter. Criteria: ACMG Guidelines, 2015. Collection method: clinical testing. Allele origin: germline.
Comment: This variant is classified as likely benign based on ACMG/AMP sequence variant interpretation guidelines (Richards et al. 2015 PMID: 25741868, with internal and published modifications).

NM_020771.4(HACE1):c.1410-5C>A

Gene: HACE1 (HECT domain and ankyrin repeat containing E3 ubiquitin protein ligase 1; minus strand). Cytogenetic location: 6q16.3.
Variant type: single nucleotide variant.
Coding change: c.1410-5C>A on transcript NM_020771.4 (MANE Select); 5 bases into the intron before coding-DNA position 1410, C replaced by A.
Molecular consequence: intron variant.
Genome position (GRCh38, 1-based): chr6:104,784,490, G>T on the plus strand (C>A on the coding strand, the complement: HACE1 is on the minus strand). VCF-style: chr6-104784490-G-T. GRCh37 (hg19) VCF-style: chr6-105232365-G-T.
Other names: c.1119-5C>A (NM_001350555.2); c.627-5C>A (NM_001350560.2); c.906-5C>A (NM_001350557.2, NM_001350558.2, NM_001321084.2); c.924-5C>A (NM_001350556.2); c.828-5C>A (NM_001350559.2); c.1278-5C>A (NM_001321080.2); c.1176-5C>A (NM_001350554.2); c.1308-5C>A (NM_001321083.2).
Identifiers: ClinVar variation 4989130 (VCV004989130.1).
Genomic context (GRCh38, chr6:104,784,490, plus strand): 5'-ATTTTAAAACTTCATCATGTTTGCAGACAAATTCAATGAAACGAGGTGAAGTCATTCTGT[G>T]GGGGGAAAACATCAATCAGAATACACAGGCAAAAGTTTGTGATATAATATAGCGAACTTG-3'